The following is an entry in ClinVar:

ClinVar aggregate classification (germline): Uncertain significance. Review status: criteria provided, multiple submitters, no conflicts (2 of 4 stars). 2 submissions from 2 submitters: Uncertain significance (2). Last evaluated 2024-03-13.

Allele frequency attached by ClinVar (database versions not stated): TOPMed below 0.00001; ExAC 0.00001.
gnomAD v4.1: 18 of 1,614,076 alleles (0.0011%); highest among the groups gnomAD compares: Non-Finnish European, 0.0014%; no homozygotes.

Submissions (2):

Ambry Genetics
Classification: Uncertain significance. Last evaluated: 2024-03-13. Review status: criteria provided, single submitter. Criteria: Ambry Variant Classification Scheme 2023. Collection method: clinical testing. Allele origin: germline.
Comment: The p.C537S variant (also known as c.1610G>C), located in coding exon 11 of the RINT1 gene, results from a G to C substitution at nucleotide position 1610. The cysteine at codon 537 is replaced by serine, an amino acid with dissimilar properties. This amino acid position is conserved. In addition, the in silico prediction for this alteration is inconclusive. Since supporting evidence is limited at this time, the clinical significance of this alteration remains unclear.

Labcorp Genetics (formerly Invitae), Labcorp
Classification: Uncertain significance. Last evaluated: 2020-06-16. Review status: criteria provided, single submitter. Criteria: Invitae Variant Classification Sherloc (09022015). Collection method: clinical testing. Allele origin: germline.
Comment: This sequence change replaces cysteine with serine at codon 537 of the RINT1 protein (p.Cys537Ser). The cysteine residue is highly conserved and there is a moderate physicochemical difference between cysteine and serine. This variant is present in population databases (rs757339645, ExAC 0.001%). This variant has not been reported in the literature in individuals with RINT1-related conditions. Algorithms developed to predict the effect of missense changes on protein structure and function are either unavailable or do not agree on the potential impact of this missense change (SIFT: "Deleterious"; PolyPhen-2: "Benign"; Align-GVGD: "Class C0"). In summary, the available evidence is currently insufficient to determine the role of this variant in disease. Therefore, it has been classified as a Variant of Uncertain Significance.

NM_021930.6(RINT1):c.1610G>C (p.Cys537Ser)

Gene: RINT1 (RAD50 interactor 1; plus strand). Cytogenetic location: 7q22.3.
Variant type: single nucleotide variant.
Coding change: c.1610G>C on transcript NM_021930.6 (MANE Select); coding-DNA position 1610, G replaced by C.
Protein change: p.Cys537Ser; replaces cysteine 537 with serine.
Molecular consequence: missense variant.
Genome position (GRCh38, 1-based): chr7:105,555,166, G>C. VCF-style: chr7-105555166-G-C. GRCh37 (hg19) VCF-style: chr7-105195613-G-C.
Other names: c.1376G>C, p.Cys459Ser (NM_001346599.2); c.587G>C, p.Cys196Ser (NM_001346600.2, NM_001346603.2); c.686G>C, p.Cys229Ser (NM_001346601.2); short protein forms C196S, C229S, C459S, C537S.
Identifiers: ClinVar variation 1055295 (VCV001055295.11), dbSNP rs757339645, ClinGen allele CA4426716.